The following is an entry in ClinVar:

ClinVar aggregate classification (germline): Uncertain significance (1 of 4 stars; one submission).

Conditions:
Cockayne syndrome. Identifiers: Orphanet 191, MedGen C0009207, MONDO:0016006.
Fanconi anemia complementation group Q. Identifiers: Orphanet 84, MedGen C3808988, MONDO:0014108, OMIM 615272.
Xeroderma pigmentosum, group F (XPF). Also called: XERODERMA PIGMENTOSUM, COMPLEMENTATION GROUP F; XERODERMA PIGMENTOSUM VI; XP, GROUP F; XERODERMA PIGMENTOSUM, TYPE F; Xeroderma pigmentosum, type 6; ERCC4-Related Xeroderma Pigmentosum. Identifiers: MedGen C0268140, MONDO:0010215, OMIM 278760.

Submission:

Labcorp Genetics (formerly Invitae), Labcorp
Classification: Uncertain significance for Fanconi anemia complementation group Q; Xeroderma pigmentosum, group F; Cockayne syndrome. Last evaluated: 2024-01-18. Review status: criteria provided, single submitter. Criteria: Invitae Variant Classification Sherloc (09022015). Collection method: clinical testing. Allele origin: germline.
Comment: This sequence change replaces valine, which is neutral and non-polar, with leucine, which is neutral and non-polar, at codon 249 of the ERCC4 protein (p.Val249Leu). This variant is not present in population databases (gnomAD no frequency). This variant has not been reported in the literature in individuals affected with ERCC4-related conditions. Advanced modeling of protein sequence and biophysical properties (such as structural, functional, and spatial information, amino acid conservation, physicochemical variation, residue mobility, and thermodynamic stability) performed at Invitae indicates that this missense variant is not expected to disrupt ERCC4 protein function with a negative predictive value of 80%. In summary, the available evidence is currently insufficient to determine the role of this variant in disease. Therefore, it has been classified as a Variant of Uncertain Significance.

NM_005236.3(ERCC4):c.745G>T (p.Val249Leu)

Gene: ERCC4 (ERCC excision repair 4, endonuclease catalytic subunit; plus strand). Cytogenetic location: 16p13.12.
Variant type: single nucleotide variant.
Coding change: c.745G>T on transcript NM_005236.3 (MANE Select); coding-DNA position 745, G replaced by T.
Protein change: p.Val249Leu; replaces valine 249 with leucine.
Molecular consequence: missense variant.
Genome position (GRCh38, 1-based): chr16:13,928,188, G>T. VCF-style: chr16-13928188-G-T. GRCh37 (hg19) VCF-style: chr16-14022045-G-T.
Other names: short protein forms V249L.
Identifiers: ClinVar variation 2922284 (VCV002922284.3), dbSNP rs2543171280, ClinGen allele CA394803042.
Genomic context (GRCh38, chr16:13,928,188, plus strand): 5'-ATACTGGACATTTTAAATGCATGTCTAAAGGAACTAAAATGCCATAACCCATCGCTTGAA[G>T]TGGAAGATTTATCTTTAGAAAATGCTATTGGAAAACCTTTTGACAAGGTACTCTTTTTCC-3'
Protein context (NP_005227.1, residues 239-259): ELKCHNPSLE[Val249Leu]EDLSLENAIG